The following is an entry in ClinVar:

ClinVar aggregate classification (germline): Conflicting classifications of pathogenicity. Review status: criteria provided, conflicting classifications (1 of 4 stars). 2 submissions from 2 submitters: Uncertain significance (1); Likely benign (1). Last evaluated 2026-01-24.

Conditions:
DICER1-related tumor predisposition. Also called: DICER1 syndrome; DICER1-related pleuropulmonary blastoma cancer predisposition syndrome. Identifiers: Orphanet 284343, MedGen C3839822, MONDO:0100216.
Hereditary cancer-predisposing syndrome. Also called: Neoplastic Syndromes, Hereditary; Hereditary neoplastic syndrome; Hereditary Cancer Syndrome; Tumor predisposition. Identifiers: Orphanet 140162, MedGen C0027672, MeSH D009386, MONDO:0015356.

Allele frequency attached by ClinVar (database versions not stated): TOPMed 0.00001; gnomAD exomes below 0.00001.
gnomAD v4.1: 2 of 1,614,066 alleles (0.00012%); highest among the groups gnomAD compares: African/African-American, 0.0027%; no homozygotes.

Submissions (2):

Labcorp Genetics (formerly Invitae), Labcorp
Classification: Uncertain significance for DICER1-related tumor predisposition. Last evaluated: 2026-01-24. Review status: criteria provided, single submitter. Criteria: Invitae Variant Classification Sherloc (09022015). Collection method: clinical testing. Allele origin: germline.
Comment: This sequence change replaces asparagine, which is neutral and polar, with serine, which is neutral and polar, at codon 405 of the DICER1 protein (p.Asn405Ser). This variant is not present in population databases (gnomAD no frequency). This variant has not been reported in the literature in individuals affected with DICER1-related conditions. ClinVar contains an entry for this variant (Variation ID: 655173). Invitae Evidence Modeling of protein sequence and biophysical properties (such as structural, functional, and spatial information, amino acid conservation, physicochemical variation, residue mobility, and thermodynamic stability) indicates that this missense variant is not expected to disrupt DICER1 protein function with a negative predictive value of 95%. In summary, the available evidence is currently insufficient to determine the role of this variant in disease. Therefore, it has been classified as a Variant of Uncertain Significance.

Ambry Genetics
Classification: Likely benign for Hereditary cancer-predisposing syndrome. Last evaluated: 2025-12-04. Review status: criteria provided, single submitter. Criteria: Ambry Variant Classification Scheme 2023. Collection method: clinical testing. Allele origin: germline.

NM_177438.3(DICER1):c.1214A>G (p.Asn405Ser)

Gene: DICER1 (dicer 1, ribonuclease III; minus strand). Cytogenetic location: 14q32.13.
Variant type: single nucleotide variant.
Coding change: c.1214A>G on transcript NM_177438.3 (MANE Select); coding-DNA position 1214, A replaced by G.
Protein change: p.Asn405Ser; replaces asparagine 405 with serine.
Molecular consequence: missense variant.
Genome position (GRCh38, 1-based): chr14:95,124,358, T>C on the plus strand (A>G on the coding strand, the complement: DICER1 is on the minus strand). VCF-style: chr14-95124358-T-C. GRCh37 (hg19) VCF-style: chr14-95590695-T-C.
Other names: c.1214A>G, p.Asn405Ser (NM_001195573.1, NM_001271282.3, NM_001291628.2 and 1 more transcripts); short protein forms N405S.
Identifiers: ClinVar variation 655173 (VCV000655173.13), dbSNP rs1024226278, ClinGen allele CA265923331.